The following is an entry in ClinVar:

NM_014634.4(PPM1F):c.325G>T (p.Asp109Tyr)

Genes: PPM1F (protein phosphatase, Mg2+/Mn2+ dependent 1F; minus strand), PPM1F-AS1 (PPM1F antisense RNA 1; plus strand). Cytogenetic location: 22q11.22.
Variant type: single nucleotide variant.
Coding change: c.325G>T on transcript NM_014634.4 (MANE Select); coding-DNA position 325, G replaced by T.
Protein change: p.Asp109Tyr; replaces aspartic acid 109 with tyrosine.
Molecular consequence: missense variant. On other transcripts: non-coding transcript variant (1), 5 prime UTR variant (1).
Genome position (GRCh38, 1-based): chr22:21,939,562, C>A on the plus strand (G>T on the coding strand, the complement: PPM1F is on the minus strand). VCF-style: chr22-21939562-C-A. GRCh37 (hg19) VCF-style: chr22-22293934-C-A.
Other names: c.-180G>T (NM_001410836.1); short protein forms D109Y.
Identifiers: ClinVar variation 4699676 (VCV004699676.1).

ClinVar aggregate classification (germline): Uncertain significance (1 of 4 stars; one submission).

gnomAD v4.1: 9 of 1,582,072 alleles (0.00057%); highest among the groups gnomAD compares: Admixed American, 0.0055%; no homozygotes.

Submission:

Labcorp Genetics (formerly Invitae), Labcorp
Classification: Uncertain significance. Last evaluated: 2025-07-25. Review status: criteria provided, single submitter. Criteria: Invitae Variant Classification Sherloc (09022015). Collection method: clinical testing. Allele origin: germline.
Comment: This sequence change replaces aspartic acid, which is acidic and polar, with tyrosine, which is neutral and polar, at codon 109 of the PPM1F protein (p.Asp109Tyr). This variant is present in population databases (no rsID available, gnomAD 0.007%). This variant has not been reported in the literature in individuals affected with PPM1F-related conditions. An algorithm developed to predict the effect of missense changes on protein structure and function (PolyPhen-2) suggests that this variant is likely to be disruptive. In summary, the available evidence is currently insufficient to determine the role of this variant in disease. Therefore, it has been classified as a Variant of Uncertain Significance.